The following is an entry in ClinVar:

NM_001540.5(HSPB1):c.240A>C (p.Gln80His)

Gene: HSPB1 (heat shock protein family B (small) member 1; plus strand). Cytogenetic location: 7q11.23.
Variant type: single nucleotide variant.
Coding change: c.240A>C on transcript NM_001540.5 (MANE Select); coding-DNA position 240, A replaced by C.
Protein change: p.Gln80His; replaces glutamine 80 with histidine.
Molecular consequence: missense variant.
Genome position (GRCh38, 1-based): chr7:76,302,952, A>C. VCF-style: chr7-76302952-A-C. GRCh37 (hg19) VCF-style: chr7-75932269-A-C.
Other names: short protein forms Q80H.
Identifiers: ClinVar variation 3693780 (VCV003693780.2).

ClinVar aggregate classification (germline): Uncertain significance (1 of 4 stars; one submission).

Conditions:
Charcot-Marie-Tooth disease axonal type 2F (CMT2F). Also called: Charcot-Marie-Tooth Neuropathy Type 2F; CHARCOT-MARIE-TOOTH DISEASE, NEURONAL, TYPE 2F. Identifiers: Orphanet 99940, MedGen C1847823, MONDO:0011687, OMIM 606595.

Submission:

Labcorp Genetics (formerly Invitae), Labcorp
Classification: Uncertain significance for Charcot-Marie-Tooth disease axonal type 2F. Last evaluated: 2024-10-27. Review status: criteria provided, single submitter. Criteria: Invitae Variant Classification Sherloc (09022015). Collection method: clinical testing. Allele origin: germline.
Comment: This sequence change replaces glutamine, which is neutral and polar, with histidine, which is basic and polar, at codon 80 of the HSPB1 protein (p.Gln80His). This variant is not present in population databases (gnomAD no frequency). This variant has not been reported in the literature in individuals affected with HSPB1-related conditions. Invitae Evidence Modeling of protein sequence and biophysical properties (such as structural, functional, and spatial information, amino acid conservation, physicochemical variation, residue mobility, and thermodynamic stability) has been performed for this missense variant. However, the output from this modeling did not meet the statistical confidence thresholds required to predict the impact of this variant on HSPB1 protein function. In summary, the available evidence is currently insufficient to determine the role of this variant in disease. Therefore, it has been classified as a Variant of Uncertain Significance.